The following is an entry in ClinVar:

NM_005228.5(EGFR):c.1881-866C>A

Gene: EGFR (epidermal growth factor receptor; plus strand). Cytogenetic location: 7p11.2.
Variant type: single nucleotide variant.
Coding change: c.1881-866C>A on transcript NM_005228.5 (MANE Select); 866 bases into the intron before coding-DNA position 1881, C replaced by A.
Molecular consequence: intron variant. On other transcripts: missense variant (1).
Genome position (GRCh38, 1-based): chr7:55,170,309, C>A. VCF-style: chr7-55170309-C-A. GRCh37 (hg19) VCF-style: chr7-55238002-C-A.
Other names: c.1883C>A, p.Pro628Gln (NM_201284.2); c.1746-866C>A (NM_001346899.2, NM_001346897.2); c.1080-866C>A (NM_001346941.2); c.1881-866C>A (NM_001346898.2); c.1722-866C>A (NM_001346900.2); short protein forms P628Q.
Identifiers: ClinVar variation 5035768 (VCV005035768.1).

ClinVar aggregate classification (germline): Uncertain significance (1 of 4 stars; one submission).

Conditions:
Hereditary cancer-predisposing syndrome. Also called: Hereditary Cancer Syndrome; Neoplastic Syndromes, Hereditary; Tumor predisposition; Hereditary neoplastic syndrome. Identifiers: Orphanet 140162, MedGen C0027672, MeSH D009386, MONDO:0015356.

gnomAD v4.1: 2 of 1,614,134 alleles (0.00012%); highest among the groups gnomAD compares: Non-Finnish European, 0.00017%; no homozygotes.

Submission:

Ambry Genetics
Classification: Uncertain significance for Hereditary cancer-predisposing syndrome. Last evaluated: 2026-07-07. Review status: criteria provided, single submitter. Criteria: Ambry Variant Classification Scheme 2023. Collection method: clinical testing. Allele origin: germline.
Comment: The p.P628Q variant (also known as c.1883C>A), located in coding exon 16 of the EGFR gene, results from a C to A substitution at nucleotide position 1883. The proline at codon 628 is replaced by glutamine, an amino acid with similar properties. This amino acid position is conserved. In addition, this alteration is predicted to be tolerated by in silico analysis. Based on the available evidence, the clinical significance of this variant remains unclear.